The following is an entry in ClinVar:

NM_032119.4(ADGRV1):c.2204C>G (p.Pro735Arg)

Gene: ADGRV1 (adhesion G protein-coupled receptor V1; plus strand). Cytogenetic location: 5q14.3.
Variant type: single nucleotide variant.
Coding change: c.2204C>G on transcript NM_032119.4 (MANE Select); coding-DNA position 2204, C replaced by G.
Protein change: p.Pro735Arg; replaces proline 735 with arginine.
Molecular consequence: missense variant. On other transcripts: non-coding transcript variant (1).
Genome position (GRCh38, 1-based): chr5:90,637,912, C>G. VCF-style: chr5-90637912-C-G. GRCh37 (hg19) VCF-style: chr5-89933729-C-G.
Other names: short protein forms P735R.
Identifiers: ClinVar variation 1975808 (VCV001975808.5), dbSNP rs537366992, ClinGen allele CA360384902.

ClinVar aggregate classification (germline): Uncertain significance (1 of 4 stars; one submission).

Submission:

Labcorp Genetics (formerly Invitae), Labcorp
Classification: Uncertain significance. Last evaluated: 2022-07-14. Review status: criteria provided, single submitter. Criteria: Invitae Variant Classification Sherloc (09022015). Collection method: clinical testing. Allele origin: germline.
Comment: This variant is not present in population databases (gnomAD no frequency). This sequence change replaces proline, which is neutral and non-polar, with arginine, which is basic and polar, at codon 735 of the ADGRV1 protein (p.Pro735Arg). This variant has not been reported in the literature in individuals affected with ADGRV1-related conditions. In summary, the available evidence is currently insufficient to determine the role of this variant in disease. Therefore, it has been classified as a Variant of Uncertain Significance. Algorithms developed to predict the effect of missense changes on protein structure and function (SIFT, PolyPhen-2, Align-GVGD) all suggest that this variant is likely to be disruptive.